The following is an entry in ClinVar:

NM_006939.4(SOS2):c.3443_3454del (p.Pro1148_Pro1151del)

Gene: SOS2 (SOS Ras/Rho guanine nucleotide exchange factor 2; minus strand). Cytogenetic location: 14q21.3.
Variant type: Deletion.
Coding change: c.3443_3454del on transcript NM_006939.4 (MANE Select); coding-DNA positions 3443 to 3454, 12 bases deleted (CTCTTCCTCCTC).
Protein change: p.Pro1148_Pro1151del.
Molecular consequence: inframe deletion.
Genome position (GRCh38, 1-based): chr14:50,120,310-50,120,321, GAGGAGGAAGAG deleted on the plus strand (CTCTTCCTCCTC on the coding strand, the reverse complement: SOS2 is on the minus strand); deleting any 12 consecutive bases within chr14:50,120,310-50,120,330 gives the same sequence; the c. name uses the placement nearest the transcript's 3' end. VCF-style (leftmost placement, unchanged base first): chr14-50120309-CGAGGAGGAAGAG-C. GRCh37 (hg19) VCF-style: chr14-50587027-CGAGGAGGAAGAG-C.
Identifiers: ClinVar variation 965269 (VCV000965269.8), dbSNP rs777487865, ClinGen allele CA7176796.

ClinVar aggregate classification (germline): Uncertain significance (1 of 4 stars; one submission).

Conditions:
Noonan syndrome 9 (NS9). Identifiers: Orphanet 648, MedGen C4225282, MONDO:0014691, OMIM 616559.

Submission:

Labcorp Genetics (formerly Invitae), Labcorp
Classification: Uncertain significance for Noonan syndrome 9. Last evaluated: 2025-03-23. Review status: criteria provided, single submitter. Criteria: Invitae Variant Classification Sherloc (09022015). Collection method: clinical testing. Allele origin: germline.
Comment: This variant, c.3443_3454del, results in the deletion of 4 amino acid(s) of the SOS2 protein (p.Pro1148_Pro1151del), but otherwise preserves the integrity of the reading frame. This variant is present in population databases (rs777487865, gnomAD 0.008%). This variant has not been reported in the literature in individuals affected with SOS2-related conditions. ClinVar contains an entry for this variant (Variation ID: 965269). Experimental studies and prediction algorithms are not available or were not evaluated, and the functional significance of this variant is currently unknown. In summary, the available evidence is currently insufficient to determine the role of this variant in disease. Therefore, it has been classified as a Variant of Uncertain Significance.